The following is an entry in ClinVar:

NM_032634.4(PIGO):c.890C>G (p.Ala297Gly)

Gene: PIGO (phosphatidylinositol glycan anchor biosynthesis class O; minus strand). Cytogenetic location: 9p13.3.
Variant type: single nucleotide variant.
Coding change: c.890C>G on transcript NM_032634.4 (MANE Select); coding-DNA position 890, C replaced by G.
Protein change: p.Ala297Gly; replaces alanine 297 with glycine.
Molecular consequence: missense variant.
Genome position (GRCh38, 1-based): chr9:35,093,470, G>C on the plus strand (C>G on the coding strand, the complement: PIGO is on the minus strand). VCF-style: chr9-35093470-G-C. GRCh37 (hg19) VCF-style: chr9-35093467-G-C.
Other names: c.890C>G, p.Ala297Gly (NM_001201484.2, NM_152850.4); short protein forms A297G.
Identifiers: ClinVar variation 967372 (VCV000967372.10), dbSNP rs760357843, ClinGen allele CA5040801.
Genomic context (GRCh38, chr9:35,093,470, plus strand): 5'-CCAGGCCTCACCTCTGGTGGGGTGCTGGGGAAGACTGCTGTGGGGCTATACAGAAAGAGA[G>C]CAGCTGAGACCTCCAGCTCACTGTCCCCTCCATGGTCTCCATTTGTGGTCATCCCATGGT-3'
Protein context (NP_116023.2, residues 287-307): GGDSELEVSA[Ala297Gly]LFLYSPTAVF

ClinVar aggregate classification (germline): Uncertain significance. Review status: criteria provided, multiple submitters, no conflicts (2 of 4 stars). 2 submissions from 2 submitters: Uncertain significance (2). Last evaluated 2024-10-04.

Conditions:
Hyperphosphatasia with impaired intellectual development syndrome 2. Also called: Hyperphosphatasia with intellectual disability syndrome 2; GLYCOSYLPHOSPHATIDYLINOSITOL BIOSYNTHESIS DEFECT 6. Identifiers: Orphanet 247262, MedGen C3553637, MONDO:0013882, OMIM 614749.

Allele frequency attached by ClinVar (database versions not stated): gnomAD 0.00001; TOPMed 0.00001; ExAC 0.00001.
gnomAD v4.1: 11 of 1,614,048 alleles (0.00068%); highest among the groups gnomAD compares: Non-Finnish European, 0.00093%; no homozygotes.

Submissions (2):

Blueprint Genetics
Classification: Uncertain significance. Last evaluated: 2024-10-04. Review status: criteria provided, single submitter. Criteria: ACMG Guidelines, 2015. Collection method: clinical testing. Allele origin: germline.

Labcorp Genetics (formerly Invitae), Labcorp
Classification: Uncertain significance for Hyperphosphatasia with impaired intellectual development syndrome 2. Last evaluated: 2022-07-26. Review status: criteria provided, single submitter. Criteria: Invitae Variant Classification Sherloc (09022015). Collection method: clinical testing. Allele origin: germline.
Comment: This variant has not been reported in the literature in individuals affected with PIGO-related conditions. In summary, the available evidence is currently insufficient to determine the role of this variant in disease. Therefore, it has been classified as a Variant of Uncertain Significance. Algorithms developed to predict the effect of missense changes on protein structure and function are either unavailable or do not agree on the potential impact of this missense change (SIFT: "Tolerated"; PolyPhen-2: "Probably Damaging"; Align-GVGD: "Class C0"). ClinVar contains an entry for this variant (Variation ID: 967372). This variant is not present in population databases (gnomAD no frequency). This sequence change replaces alanine, which is neutral and non-polar, with glycine, which is neutral and non-polar, at codon 297 of the PIGO protein (p.Ala297Gly).